The following is an entry in ClinVar:

ClinVar aggregate classification (germline): Uncertain significance (1 of 4 stars; one submission).

Conditions:
Charcot-Marie-Tooth disease type 4. Also called: Charcot-Marie-Tooth disease, type IV; Charcot-Marie-Tooth, Type 4. Identifiers: Orphanet 64749, MedGen C4082197, MONDO:0018995.

Submission:

Labcorp Genetics (formerly Invitae), Labcorp
Classification: Uncertain significance for Charcot-Marie-Tooth disease type 4. Last evaluated: 2022-06-27. Review status: criteria provided, single submitter. Criteria: Invitae Variant Classification Sherloc (09022015). Collection method: clinical testing. Allele origin: germline.
Comment: In summary, the available evidence is currently insufficient to determine the role of this variant in disease. Therefore, it has been classified as a Variant of Uncertain Significance. Algorithms developed to predict the effect of missense changes on protein structure and function are either unavailable or do not agree on the potential impact of this missense change (SIFT: "Tolerated"; PolyPhen-2: "Possibly Damaging"; Align-GVGD: "Class C0"). ClinVar contains an entry for this variant (Variation ID: 851870). This variant has not been reported in the literature in individuals affected with PRX-related conditions. This variant is not present in population databases (gnomAD no frequency). This sequence change replaces alanine, which is neutral and non-polar, with aspartic acid, which is acidic and polar, at codon 980 of the PRX protein (p.Ala980Asp).

NM_181882.3(PRX):c.2939C>A (p.Ala980Asp)

Gene: PRX (periaxin; minus strand). Cytogenetic location: 19q13.2.
Variant type: single nucleotide variant.
Coding change: c.2939C>A on transcript NM_181882.3 (MANE Select); coding-DNA position 2939, C replaced by A.
Protein change: p.Ala980Asp; replaces alanine 980 with aspartic acid.
Molecular consequence: missense variant. On other transcripts: 3 prime UTR variant (1).
Genome position (GRCh38, 1-based): chr19:40,395,413, G>T on the plus strand (C>A on the coding strand, the complement: PRX is on the minus strand). VCF-style: chr19-40395413-G-T. GRCh37 (hg19) VCF-style: chr19-40901320-G-T.
Other names: c.*3144C>A (NM_020956.2); short protein forms A980D.
Identifiers: ClinVar variation 851870 (VCV000851870.9), dbSNP rs2079423739, ClinGen allele CA405895278.